The following is an entry in ClinVar:

NM_000274.4(OAT):c.468G>A (p.Trp156Ter)

Gene: OAT (ornithine aminotransferase; minus strand). Cytogenetic location: 10q26.13.
Variant type: single nucleotide variant.
Coding change: c.468G>A on transcript NM_000274.4 (MANE Select); coding-DNA position 468, G replaced by A.
Protein change: p.Trp156Ter; replaces tryptophan 156 with a stop codon.
Molecular consequence: nonsense. On other transcripts: 5 prime UTR variant (1), intron variant (1).
Genome position (GRCh38, 1-based): chr10:124,408,594, C>T on the plus strand (G>A on the coding strand, the complement: OAT is on the minus strand). VCF-style: chr10-124408594-C-T. GRCh37 (hg19) VCF-style: chr10-126097163-C-T.
Other names: c.54G>A, p.Trp18Ter (NM_001171814.2); c.468G>A, p.Trp156Ter (NM_001322965.2, NM_001322966.2, NM_001322967.2 and 3 more transcripts); c.-247G>A (NM_001322974.2); c.200-3031G>A (NM_001322971.2); short protein forms W156*, W18*.
Identifiers: ClinVar variation 2097289 (VCV002097289.4), dbSNP rs2494500603, ClinGen allele CA378636993.

ClinVar aggregate classification (germline): Pathogenic (1 of 4 stars; one submission).

Conditions:
Ornithine aminotransferase deficiency (GACR). Also called: OKT DEFICIENCY; Ornithine ketoacid aminotransferase deficiency; Gyrate atrophy; Gyrate atrophy of choroid and retina; Girate atrophy of the retina; OAT DEFICIENCY. Identifiers: Orphanet 414, MedGen C0018425, MONDO:0009796, OMIM 258870.

Submission:

Labcorp Genetics (formerly Invitae), Labcorp
Classification: Pathogenic for Ornithine aminotransferase deficiency. Last evaluated: 2023-11-27. Review status: criteria provided, single submitter. Criteria: Invitae Variant Classification Sherloc (09022015). Collection method: clinical testing. Allele origin: germline.
Comment: This sequence change creates a premature translational stop signal (p.Trp156*) in the OAT gene. It is expected to result in an absent or disrupted protein product. Loss-of-function variants in OAT are known to be pathogenic (PMID: 1737786, 23076989). This variant is not present in population databases (gnomAD no frequency). This variant has not been reported in the literature in individuals affected with OAT-related conditions. ClinVar contains an entry for this variant (Variation ID: 2097289). For these reasons, this variant has been classified as Pathogenic.

Literature cited by the submitters: PubMed 1737786; PubMed 23076989.